The following is an entry in ClinVar:

ClinVar aggregate classification (germline): Uncertain significance. Review status: criteria provided, multiple submitters, no conflicts (2 of 4 stars). 2 submissions from 2 submitters: Uncertain significance (2). Last evaluated 2023-08-16.

Conditions:
Tuberous sclerosis 2 (TSC2). Identifiers: Orphanet 805, MedGen C1860707, MONDO:0013199, OMIM 613254.
Tuberous sclerosis syndrome (TSC). Also called: Tuberous Sclerosis Complex; Tuberous sclerosis. Identifiers: Orphanet 805, MedGen C0041341, MONDO:0001734.

gnomAD v4.1: 1 of 1,613,272 alleles (0.000062%); highest among the groups gnomAD compares: Non-Finnish European, 0.000085%; no homozygotes.

Submissions (2):

Labcorp Genetics (formerly Invitae), Labcorp
Classification: Uncertain significance for Tuberous sclerosis 2. Last evaluated: 2023-08-16. Review status: criteria provided, single submitter. Criteria: Invitae Variant Classification Sherloc (09022015). Collection method: clinical testing. Allele origin: germline.
Comment: This variant has not been reported in the literature in individuals affected with TSC2-related conditions. In summary, the available evidence is currently insufficient to determine the role of this variant in disease. Therefore, it has been classified as a Variant of Uncertain Significance. Advanced modeling of protein sequence and biophysical properties (such as structural, functional, and spatial information, amino acid conservation, physicochemical variation, residue mobility, and thermodynamic stability) performed at Invitae indicates that this missense variant is not expected to disrupt TSC2 protein function. This variant is not present in population databases (gnomAD no frequency). This sequence change replaces valine, which is neutral and non-polar, with leucine, which is neutral and non-polar, at codon 1500 of the TSC2 protein (p.Val1500Leu).

All of Us Research Program, National Institutes of Health
Classification: Uncertain significance for Tuberous sclerosis syndrome. Last evaluated: 2023-06-28. Review status: criteria provided, single submitter. Criteria: ACMG Guidelines, 2015. Collection method: clinical testing. Allele origin: germline. Inheritance: Autosomal dominant inheritance. Observed: 1 variant allele, 1 heterozygote.
Comment: This study involves interpretation of variants in research participants for the purpose of population health screening. Participant phenotype was not available at the time of variant classification. Additional details can be found in publication PMID: 35346344, PMCID: PMC8962531

NM_000548.5(TSC2):c.4498G>C (p.Val1500Leu)

Gene: TSC2 (TSC complex subunit 2; plus strand). Cytogenetic location: 16p13.3.
Variant type: single nucleotide variant.
Coding change: c.4498G>C on transcript NM_000548.5 (MANE Select); coding-DNA position 4498, G replaced by C.
Protein change: p.Val1500Leu; replaces valine 1500 with leucine.
Molecular consequence: missense variant. On other transcripts: non-coding transcript variant (5).
Genome position (GRCh38, 1-based): chr16:2,084,955, G>C. VCF-style: chr16-2084955-G-C. GRCh37 (hg19) VCF-style: chr16-2134956-G-C.
Other names: c.4297G>C, p.Val1433Leu (NM_001077183.3); c.4429G>C, p.Val1477Leu (NM_001114382.3); c.4189G>C, p.Val1397Leu (NM_001318827.2); c.4153G>C, p.Val1385Leu (NM_001318829.2); c.3766G>C, p.Val1256Leu (NM_001318831.2); c.4330G>C, p.Val1444Leu (NM_001318832.2); c.4300G>C, p.Val1434Leu (NM_001363528.2); c.4366G>C, p.Val1456Leu (NM_001370404.1); and 26 more; short protein forms V1009L, V1256L, V1277L, V1384L, V1429L, V1430L, V1434L, V1456L.
Identifiers: ClinVar variation 2918467 (VCV002918467.4), dbSNP rs397515167, ClinGen allele CA394302696.